The following is an entry in ClinVar:

NM_002234.4(KCNA5):c.229C>G (p.Pro77Ala)

Gene: KCNA5 (potassium voltage-gated channel subfamily A member 5; plus strand). Cytogenetic location: 12p13.32.
Variant type: single nucleotide variant.
Coding change: c.229C>G on transcript NM_002234.4 (MANE Select); coding-DNA position 229, C replaced by G.
Protein change: p.Pro77Ala; replaces proline 77 with alanine.
Molecular consequence: missense variant.
Genome position (GRCh38, 1-based): chr12:5,044,376, C>G. VCF-style: chr12-5044376-C-G. GRCh37 (hg19) VCF-style: chr12-5153542-C-G.
Other names: short protein forms P77A.
Identifiers: ClinVar variation 2730085 (VCV002730085.3), dbSNP rs202083721, ClinGen allele CA383462141.

ClinVar aggregate classification (germline): Uncertain significance (1 of 4 stars; one submission).

Conditions:
Atrial fibrillation, familial, 7 (ATFB7). Identifiers: MedGen C2677106, MONDO:0012828, OMIM 612240.

gnomAD v4.1: 10 of 1,565,982 alleles (0.00064%); highest among the groups gnomAD compares: East Asian, 0.023%; no homozygotes.

Submission:

Labcorp Genetics (formerly Invitae), Labcorp
Classification: Uncertain significance for Atrial fibrillation, familial, 7. Last evaluated: 2023-11-29. Review status: criteria provided, single submitter. Criteria: Invitae Variant Classification Sherloc (09022015). Collection method: clinical testing. Allele origin: germline.
Comment: This sequence change replaces proline, which is neutral and non-polar, with alanine, which is neutral and non-polar, at codon 77 of the KCNA5 protein (p.Pro77Ala). This variant is present in population databases (no rsID available, gnomAD 0.02%). This variant has not been reported in the literature in individuals affected with KCNA5-related conditions. Algorithms developed to predict the effect of missense changes on protein structure and function output the following: SIFT: "Not Available"; PolyPhen-2: "Benign"; Align-GVGD: "Not Available". The alanine amino acid residue is found in multiple mammalian species, which suggests that this missense change does not adversely affect protein function. In summary, the available evidence is currently insufficient to determine the role of this variant in disease. Therefore, it has been classified as a Variant of Uncertain Significance.